The following is an entry in ClinVar:

NM_001042492.3(NF1):c.3841G>C (p.Ala1281Pro)

Gene: NF1 (neurofibromin 1; plus strand). Cytogenetic location: 17q11.2.
Variant type: single nucleotide variant.
Coding change: c.3841G>C on transcript NM_001042492.3 (MANE Select); coding-DNA position 3841, G replaced by C.
Protein change: p.Ala1281Pro; replaces alanine 1281 with proline.
Molecular consequence: missense variant.
Genome position (GRCh38, 1-based): chr17:31,235,743, G>C. VCF-style: chr17-31235743-G-C. GRCh37 (hg19) VCF-style: chr17-29562761-G-C.
Other names: c.3841G>C, p.Ala1281Pro (NM_000267.4); short protein forms A1281P.
Identifiers: ClinVar variation 1522871 (VCV001522871.8), dbSNP rs2151438011, ClinGen allele CA398992810.

ClinVar aggregate classification (germline): Uncertain significance (1 of 4 stars; one submission).

Conditions:
Neurofibromatosis, type 1 (NF1). Also called: VON RECKLINGHAUSEN DISEASE; Neurofibromatosis, type I; Peripheral type neurofibromatosis; NEUROFIBROMATOSIS, TYPE I, SOMATIC. Identifiers: Orphanet 636, MedGen C0027831, MONDO:0018975, OMIM 162200. Disease mechanism: loss of function.

Submission:

Labcorp Genetics (formerly Invitae), Labcorp
Classification: Uncertain significance for Neurofibromatosis, type 1. Last evaluated: 2021-05-06. Review status: criteria provided, single submitter. Criteria: Invitae Variant Classification Sherloc (09022015). Collection method: clinical testing. Allele origin: germline.
Comment: In summary, the available evidence is currently insufficient to determine the role of this variant in disease. Therefore, it has been classified as a Variant of Uncertain Significance. Advanced modeling of protein sequence and biophysical properties (such as structural, functional, and spatial information, amino acid conservation, physicochemical variation, residue mobility, and thermodynamic stability) performed at Invitae indicates that this missense variant is expected to disrupt NF1 protein function. This variant has not been reported in the literature in individuals with NF1-related conditions. This variant is not present in population databases (ExAC no frequency). This sequence change replaces alanine with proline at codon 1281 of the NF1 protein (p.Ala1281Pro). The alanine residue is highly conserved and there is a small physicochemical difference between alanine and proline.